The following is an entry in ClinVar:

ClinVar aggregate classification (germline): Uncertain significance. Review status: criteria provided, multiple submitters, no conflicts (2 of 4 stars). 5 submissions from 5 submitters: Uncertain significance (5). Last evaluated 2025-12-30.

Conditions:
Hereditary cancer-predisposing syndrome. Also called: Neoplastic Syndromes, Hereditary; Tumor predisposition; Hereditary neoplastic syndrome; Hereditary Cancer Syndrome. Identifiers: Orphanet 140162, MedGen C0027672, MeSH D009386, MONDO:0015356.

Allele frequency attached by ClinVar (database versions not stated): gnomAD 0.00001; gnomAD exomes 0.00001 and 0.00003; TOPMed 0.00001; ExAC 0.00005.
gnomAD v4.1: 18 of 1,612,746 alleles (0.0011%); highest among the groups gnomAD compares: Non-Finnish European, 0.0014%; no homozygotes.

Submissions (5):

Labcorp Genetics (formerly Invitae), Labcorp
Classification: Uncertain significance. Last evaluated: 2025-12-30. Review status: criteria provided, single submitter. Criteria: Invitae Variant Classification Sherloc (09022015). Collection method: clinical testing. Allele origin: germline.
Comment: This sequence change replaces arginine, which is basic and polar, with tryptophan, which is neutral and slightly polar, at codon 1386 of the POLE protein (p.Arg1386Trp). This variant is present in population databases (rs747619107, gnomAD 0.005%). This variant has not been reported in the literature in individuals affected with POLE-related conditions. ClinVar contains an entry for this variant (Variation ID: 581093). Invitae Evidence Modeling of protein sequence and biophysical properties (such as structural, functional, and spatial information, amino acid conservation, physicochemical variation, residue mobility, and thermodynamic stability) indicates that this missense variant is not expected to disrupt POLE protein function with a negative predictive value of 80%. In summary, the available evidence is currently insufficient to determine the role of this variant in disease. Therefore, it has been classified as a Variant of Uncertain Significance.

Ambry Genetics
Classification: Uncertain significance for Hereditary cancer-predisposing syndrome. Last evaluated: 2025-03-10. Review status: criteria provided, single submitter. Criteria: Ambry Variant Classification Scheme 2023. Collection method: clinical testing. Allele origin: germline.
Comment: The p.R1386W variant (also known as c.4156C>T), located in coding exon 33 of the POLE gene, results from a C to T substitution at nucleotide position 4156. The arginine at codon 1386 is replaced by tryptophan, an amino acid with dissimilar properties. This amino acid position is highly conserved in available vertebrate species. In addition, the in silico prediction for this alteration is inconclusive. Based on the available evidence, the clinical significance of this variant remains unclear.

Center for Genomic Medicine, Rigshospitalet, Copenhagen University Hospital
Classification: Uncertain significance. Last evaluated: 2025-03-04. Review status: criteria provided, single submitter. Criteria: ACMG Guidelines, 2015. Collection method: clinical testing. Allele origin: germline.

GeneDx
Classification: Uncertain significance. Last evaluated: 2023-06-14. Review status: criteria provided, single submitter. Criteria: GeneDx Variant Classification Process June 2021. Collection method: clinical testing. Allele origin: germline. Affected: yes.
Comment: In silico analysis supports that this missense variant has a deleterious effect on protein structure/function; Has not been previously published as pathogenic or benign to our knowledge; This variant is associated with the following publications: (PMID: 29320758)

Quest Diagnostics Nichols Institute San Juan Capistrano
Classification: Uncertain significance. Last evaluated: 2018-10-16. Review status: criteria provided, single submitter. Criteria: Quest Diagnostics criteria. Collection method: clinical testing. Allele origin: germline.

Literature cited by the submitters: PubMed 29320758 (cited by Quest Diagnostics Nichols Institute San Juan Capistrano).

NM_006231.4(POLE):c.4156C>T (p.Arg1386Trp)

Gene: POLE (DNA polymerase epsilon, catalytic subunit; minus strand). Cytogenetic location: 12q24.33.
Variant type: single nucleotide variant.
Coding change: c.4156C>T on transcript NM_006231.4 (MANE Select); coding-DNA position 4156, C replaced by T.
Protein change: p.Arg1386Trp; replaces arginine 1386 with tryptophan.
Molecular consequence: missense variant.
Genome position (GRCh38, 1-based): chr12:132,643,971, G>A on the plus strand (C>T on the coding strand, the complement: POLE is on the minus strand). VCF-style: chr12-132643971-G-A. GRCh37 (hg19) VCF-style: chr12-133220557-G-A.
Other names: c.4156C>T (NM_006231.2); short protein forms R1386W.
Identifiers: ClinVar variation 581093 (VCV000581093.18), dbSNP rs747619107, ClinGen allele CA6892960.
Genomic context (GRCh38, chr12:132,643,971, plus strand): 5'-TGTCCTCTGGCACTGAATACTCATAGAGATTGTAGACCATGTTGGAGCGAGGAAGGACCC[G>A]ATTTACCTGGCGAGAATACGACGATGATCTCGTCACTGGGCGTAAGTGGTAATGTCTGTG-3'
Protein context (NP_006222.2, residues 1376-1396): EEGASYRKVN[Arg1386Trp]VLPRSNMVYN